The following is an entry in ClinVar:

NM_000038.6(APC):c.1787C>G (p.Ser596Ter)

Gene: APC (APC regulator of Wnt signaling pathway; plus strand). Cytogenetic location: 5q22.2.
Variant type: single nucleotide variant.
Coding change: c.1787C>G on transcript NM_000038.6 (MANE Select); coding-DNA position 1787, C replaced by G.
Protein change: p.Ser596Ter; replaces serine 596 with a stop codon.
Molecular consequence: nonsense.
Genome position (GRCh38, 1-based): chr5:112,834,994, C>G. VCF-style: chr5-112834994-C-G. GRCh37 (hg19) VCF-style: chr5-112170691-C-G.
Other names: c.1787C>G, p.Ser596Ter (NM_001127510.3, NM_001354895.2); c.1733C>G, p.Ser578Ter (NM_001127511.3); c.1841C>G, p.Ser614Ter (NM_001354896.2); c.1817C>G, p.Ser606Ter (NM_001354897.2); c.1712C>G, p.Ser571Ter (NM_001354898.2); c.1703C>G, p.Ser568Ter (NM_001354899.2); c.1664C>G, p.Ser555Ter (NM_001354900.2); c.1610C>G, p.Ser537Ter (NM_001354901.2); and 5 more; short protein forms S578*, S596*, S606*, S436*, S470*, S495*, S568*, S614*.
Identifiers: ClinVar variation 433628 (VCV000433628.6), dbSNP rs1554083134, ClinGen allele CA16025228.

ClinVar aggregate classification (germline): Pathogenic. Review status: criteria provided, single submitter (1 of 4 stars). 2 submissions from 2 submitters: Pathogenic (1). 1 of the submissions does not count toward it. Last evaluated 2025-06-05.
ClinVar aggregate classification (oncogenicity): Likely oncogenic (1 of 4 stars; one submission).

Conditions:
Hereditary cancer-predisposing syndrome. Also called: Hereditary neoplastic syndrome; Tumor predisposition; Neoplastic Syndromes, Hereditary; Hereditary Cancer Syndrome. Identifiers: Orphanet 140162, MedGen C0027672, MeSH D009386, MONDO:0015356.
Neoplasm. Also called: Neoplasms; Neoplasm (disease); tumor. Identifiers: MedGen C0027651, MeSH D009369, MONDO:0005070, HP:0002664.

Submissions (3):

Center for Genomic Medicine, Rigshospitalet, Copenhagen University Hospital
Classification: Likely oncogenic for Neoplasm. Last evaluated: 2026-10-16. Review status: criteria provided, single submitter. Criteria: ClinGen/CGC/VICC Guidelines for Oncogenicity, 2022. Collection method: clinical testing. Allele origin: somatic. Affected: yes.

Ambry Genetics
Classification: Pathogenic for Hereditary cancer-predisposing syndrome. Last evaluated: 2025-06-05. Review status: criteria provided, single submitter. Criteria: Ambry Variant Classification Scheme 2023. Collection method: clinical testing. Allele origin: germline.
Comment: The p.S596* pathogenic mutation (also known as c.1787C>G), located in coding exon 14 of the APC gene, results from a C to G substitution at nucleotide position 1787. This changes the amino acid from a serine to a stop codon within coding exon 14. This variant has been identified in multiple individuals with features consistent with APC-associated disease (Garc&iacute;a-Lozano JR et al. Genet. Test. 2005;9:37-40; Ponichareon B et al. Genomics and Genetics 2016;9(2 &3):85-94). In addition to the clinical data presented in the literature, this alteration is expected to result in loss of function by premature protein truncation or nonsense-mediated mRNA decay. As such, this alteration is interpreted as a disease-causing mutation.

Department of Pathology and Laboratory Medicine, Sinai Health System
Classification: Uncertain significance. Review status: no assertion criteria provided. Collection method: clinical testing. Allele origin: unknown. Affected: yes. Observed: 7 variant alleles. Study: The Canadian Open Genetics Repository (COGR). Not counted in ClinVar's aggregate classification.

Literature cited by the submitters: PubMed 15857185 (cited by Ambry Genetics).